The following is an entry in ClinVar:

NM_017763.6(RNF43):c.261G>A (p.Pro87=)

Gene: RNF43 (ring finger protein 43; minus strand). Cytogenetic location: 17q22.
Variant type: single nucleotide variant.
Coding change: c.261G>A on transcript NM_017763.6 (MANE Select); coding-DNA position 261, G replaced by A.
Protein change: p.Pro87=; no amino-acid change (proline 87 retained).
Molecular consequence: synonymous variant.
Genome position (GRCh38, 1-based): chr17:58,371,025, C>T on the plus strand (G>A on the coding strand, the complement: RNF43 is on the minus strand). VCF-style: chr17-58371025-C-T. GRCh37 (hg19) VCF-style: chr17-56448386-C-T.
Other names: c.261G>A, p.Pro87= (NM_001305544.3); c.-121G>A (NM_001305545.2).
Identifiers: ClinVar variation 1148873 (VCV001148873.33), dbSNP rs201505819, ClinGen allele CA8673476.

ClinVar aggregate classification (germline): Benign/Likely benign. Review status: criteria provided, multiple submitters, no conflicts (2 of 4 stars). 4 submissions from 4 submitters: Benign (1); Likely benign (3). Last evaluated 2026-06-29.

Conditions:
Sessile serrated polyposis cancer syndrome (SSPCS). Identifiers: Orphanet 157798, MedGen C4310714, MONDO:0014919, OMIM 617108.

Submissions (4):

Myriad Genetics, Inc.
Classification: Benign for Sessile serrated polyposis cancer syndrome. Last evaluated: 2026-06-29. Review status: criteria provided, single submitter. Criteria: Myriad Autosomal Dominant, Autosomal Recessive and X-Linked Classification Criteria (2023). Collection method: clinical testing. Allele origin: unknown.
Comment: This variant is considered benign. This variant is a silent/synonymous amino acid change and it is not expected to impact splicing.

Labcorp Genetics (formerly Invitae), Labcorp
Classification: Likely benign. Last evaluated: 2026-01-11. Review status: criteria provided, single submitter. Criteria: Invitae Variant Classification Sherloc (09022015). Collection method: clinical testing. Allele origin: germline.

Ambry Genetics
Classification: Likely benign. Last evaluated: 2024-10-17. Review status: criteria provided, single submitter. Criteria: Ambry Variant Classification Scheme 2023. Collection method: clinical testing. Allele origin: germline.

CeGaT Center for Human Genetics Tuebingen
Classification: Likely benign. Last evaluated: 2024-09-01. Review status: criteria provided, single submitter. Criteria: CeGaT Center For Human Genetics Tuebingen Variant Classification Criteria Version 2. Collection method: clinical testing. Allele origin: germline. Affected: yes. Observed: 3 variant alleles.
Comment: RNF43: BP4, BP7